The following is an entry in ClinVar:

ClinVar aggregate classification (germline): Benign/Likely benign. Review status: criteria provided, multiple submitters, no conflicts (2 of 4 stars). 10 submissions from 10 submitters: Benign (3); Likely benign (4). 3 of the submissions do not count toward it. Last evaluated 2026-02-02.

Conditions:
Creatine transporter deficiency (CCDS1). Also called: CEREBRAL CREATINE DEFICIENCY SYNDROME 1; Creatine Transporter (CRTR) Deficiency; Mental retardation , X-linked with seizures, short stature and midface hypoplasia; Mental retardation , X-linked, with creatine transport deficiency; X-linked creatine transporter deficiency; X-linked creatine deficiency syndrome. Identifiers: Orphanet 52503, MedGen C1845862, MONDO:0010305, OMIM 300352.
SLC6A8-related disorder. Also called: SLC6A8-related condition.
Inborn genetic diseases. Identifiers: MedGen C0950123, MeSH D030342.

Allele frequency attached by ClinVar (database versions not stated): ESP Exome Variant Server 0.00009; gnomAD exomes 0.00054; TOPMed 0.00054; gnomAD 0.00056 and 0.00063; ExAC 0.00072.
gnomAD v4.1: 869 of 1,197,742 alleles (0.073%); highest among the groups gnomAD compares: Middle Eastern, 0.093%; 1 homozygote.

Submissions (10):

Labcorp Genetics (formerly Invitae), Labcorp
Classification: Benign for Creatine transporter deficiency. Last evaluated: 2026-02-02. Review status: criteria provided, single submitter. Criteria: Invitae Variant Classification Sherloc (09022015). Collection method: clinical testing. Allele origin: germline.

Athena Diagnostics
Classification: Benign. Last evaluated: 2025-06-05. Review status: criteria provided, single submitter. Criteria: Athena Diagnostics Criteria. Collection method: clinical testing. Allele origin: unknown.
Comment: The frequency of this variant in the general population is higher than would generally be expected for pathogenic variants in this gene. Computational tools yielded predictions that this variant is unlikely to have an effect on normal RNA splicing. This nucleotide position exhibits low evolutionary conservation. Assessment of experimental evidence regarding the effect of this variant on protein function is inconclusive.

Ambry Genetics
Classification: Likely benign for Inborn genetic diseases. Last evaluated: 2024-11-15. Review status: criteria provided, single submitter. Criteria: Ambry Variant Classification Scheme 2023. Collection method: clinical testing. Allele origin: germline.

Blueprint Genetics
Classification: Likely benign. Last evaluated: 2024-10-25. Review status: criteria provided, single submitter. Criteria: ACMG Guidelines, 2015. Collection method: clinical testing. Allele origin: germline.

CeGaT Center for Human Genetics Tuebingen
Classification: Likely benign. Last evaluated: 2023-07-01. Review status: criteria provided, single submitter. Criteria: CeGaT Center For Human Genetics Tuebingen Variant Classification Criteria Version 2. Collection method: clinical testing. Allele origin: germline. Affected: yes. Observed: 4 variant alleles.
Comment: SLC6A8: BP4, BS2

Eurofins Ntd Llc (ga)
Classification: Likely benign. Last evaluated: 2016-12-28. Review status: criteria provided, single submitter. Criteria: EGL Classification Definitions 2015. Collection method: clinical testing. Allele origin: germline. Observed: 1 variant allele, 1 hemizygote.

GeneDx
Classification: Benign. Last evaluated: 2016-05-31. Review status: criteria provided, single submitter. Criteria: GeneDx Variant Classification (06012015). Collection method: clinical testing. Allele origin: germline. Affected: yes.
Comment: This variant is considered likely benign or benign based on one or more of the following criteria: it is a conservative change, it occurs at a poorly conserved position in the protein, it is predicted to be benign by multiple in silico algorithms, and/or has population frequency not consistent with disease.

PreventionGenetics, part of Exact Sciences
Classification: Likely benign for SLC6A8-related condition. Last evaluated: 2019-04-01. Review status: no assertion criteria provided. Collection method: clinical testing. Allele origin: germline. Not counted in ClinVar's aggregate classification.
Comment: This variant is classified as likely benign based on ACMG/AMP sequence variant interpretation guidelines (Richards et al. 2015 PMID: 25741868, with internal and published modifications).

Clinical Genetics DNA and cytogenetics Diagnostics Lab, Erasmus MC, Erasmus Medical Center
Classification: Likely benign. Review status: no assertion criteria provided. Collection method: clinical testing. Allele origin: germline. Affected: yes. Study: VKGL Data-share Consensus. Not counted in ClinVar's aggregate classification.

Genome Diagnostics Laboratory, University Medical Center Utrecht
Classification: Benign. Review status: no assertion criteria provided. Collection method: clinical testing. Allele origin: germline. Affected: yes. Study: VKGL Data-share Consensus. Not counted in ClinVar's aggregate classification.

Literature cited by the submitters: PubMed 20717164 (cited by Athena Diagnostics); PubMed 37587458 (cited by Athena Diagnostics).

NM_005629.4(SLC6A8):c.777+4C>T

Gene: SLC6A8 (solute carrier family 6 member 8; plus strand). Cytogenetic location: Xq28.
Variant type: single nucleotide variant.
Coding change: c.777+4C>T on transcript NM_005629.4 (MANE Select); 4 bases into the intron after coding-DNA position 777, C replaced by T.
Molecular consequence: intron variant.
Genome position (GRCh38, 1-based): chrX:153,692,111, C>T. VCF-style: chrX-153692111-C-T. GRCh37 (hg19) VCF-style: chrX-152957566-C-T.
Other names: c.777+4C>T (NM_001142805.2); c.432+4C>T (NM_001142806.1).
Identifiers: ClinVar variation 380584 (VCV000380584.54), dbSNP rs201581661, ClinGen allele CA10549241.